The following is an entry in ClinVar:

ClinVar aggregate classification (germline): Uncertain significance (1 of 4 stars; one submission).

Conditions:
Inborn genetic diseases. Identifiers: MedGen C0950123, MeSH D030342.

Submission:

Ambry Genetics
Classification: Uncertain significance for Inborn genetic diseases. Last evaluated: 2026-09-05. Review status: criteria provided, single submitter. Criteria: Ambry Variant Classification Scheme 2023. Collection method: clinical testing. Allele origin: germline.
Comment: The p.Y1210C variant (also known as c.3629A>G), located in coding exon 24 of the ANKRD26 gene, results from an A to G substitution at nucleotide position 3629. The tyrosine at codon 1210 is replaced by cysteine, an amino acid with highly dissimilar properties. This amino acid position is conserved. In addition, this alteration is predicted to be tolerated by in silico analysis. Based on the available evidence, the clinical significance of this variant remains unclear.

NM_014915.3(ANKRD26):c.3629A>G (p.Tyr1210Cys)

Gene: ANKRD26 (ankyrin repeat domain 26; minus strand). Cytogenetic location: 10p12.1.
Variant type: single nucleotide variant.
Coding change: c.3629A>G on transcript NM_014915.3 (MANE Select); coding-DNA position 3629, A replaced by G.
Protein change: p.Tyr1210Cys; replaces tyrosine 1210 with cysteine.
Molecular consequence: missense variant.
Genome position (GRCh38, 1-based): chr10:27,034,821, T>C on the plus strand (A>G on the coding strand, the complement: ANKRD26 is on the minus strand). VCF-style: chr10-27034821-T-C. GRCh37 (hg19) VCF-style: chr10-27323750-T-C.
Other names: c.3626A>G, p.Tyr1209Cys (NM_001256053.2); short protein forms Y1210C, Y1209C.
Identifiers: ClinVar variation 5023762 (VCV005023762.1).